The following is an entry in ClinVar:

ClinVar aggregate classification (germline): Uncertain significance (1 of 4 stars; one submission).

Conditions:
Fanconi anemia (FA). Also called: Fanconi's anemia. Identifiers: Orphanet 84, MedGen C0015625, MeSH D005199, MONDO:0019391.

Allele frequency attached by ClinVar (database versions not stated): TOPMed 0.00001.

Submission:

Labcorp Genetics (formerly Invitae), Labcorp
Classification: Uncertain significance for Fanconi anemia. Last evaluated: 2021-08-24. Review status: criteria provided, single submitter. Criteria: Invitae Variant Classification Sherloc (09022015). Collection method: clinical testing. Allele origin: germline.
Comment: This sequence change falls in intron 1 of the FANCA gene. It does not directly change the encoded amino acid sequence of the FANCA protein. This variant is not present in population databases (ExAC no frequency). This variant has not been reported in the literature in individuals affected with FANCA-related conditions. Algorithms developed to predict the effect of sequence changes on RNA splicing suggest that this variant may disrupt the consensus splice site. In summary, the available evidence is currently insufficient to determine the role of this variant in disease. Therefore, it has been classified as a Variant of Uncertain Significance.

NM_000135.4(FANCA):c.80-6C>G

Gene: FANCA (FA complementation group A; minus strand). Cytogenetic location: 16q24.3.
Variant type: single nucleotide variant.
Coding change: c.80-6C>G on transcript NM_000135.4 (MANE Select); 6 bases into the intron before coding-DNA position 80, C replaced by G.
Molecular consequence: intron variant.
Genome position (GRCh38, 1-based): chr16:89,815,992, G>C on the plus strand (C>G on the coding strand, the complement: FANCA is on the minus strand). VCF-style: chr16-89815992-G-C. GRCh37 (hg19) VCF-style: chr16-89882400-G-C.
Other names: c.80-6C>G (NM_001286167.3, NM_001351830.2, NM_001018112.3).
Identifiers: ClinVar variation 1488069 (VCV001488069.5), dbSNP rs981258320, ClinGen allele CA2241942623.